The following is an entry in ClinVar:

ClinVar aggregate classification (germline): Uncertain significance (1 of 4 stars; one submission).

Conditions:
Hajdu-Cheney syndrome (HJCYS). Also called: SERPENTINE FIBULA-POLYCYSTIC KIDNEY SYNDROME; ACROOSTEOLYSIS WITH OSTEOPOROSIS AND CHANGES IN SKULL AND MANDIBLE; Acroosteolysis dominant type. Identifiers: Orphanet 955, MedGen C0917715, MONDO:0007057, OMIM 102500.

Submission:

Labcorp Genetics (formerly Invitae), Labcorp
Classification: Uncertain significance for Hajdu-Cheney syndrome. Last evaluated: 2023-09-15. Review status: criteria provided, single submitter. Criteria: Invitae Variant Classification Sherloc (09022015). Collection method: clinical testing. Allele origin: germline.
Comment: In summary, the available evidence is currently insufficient to determine the role of this variant in disease. Therefore, it has been classified as a Variant of Uncertain Significance. Advanced modeling of protein sequence and biophysical properties (such as structural, functional, and spatial information, amino acid conservation, physicochemical variation, residue mobility, and thermodynamic stability) performed at Invitae indicates that this missense variant is not expected to disrupt NOTCH2 protein function. This variant has not been reported in the literature in individuals affected with NOTCH2-related conditions. This variant is not present in population databases (gnomAD no frequency). This sequence change replaces glutamic acid, which is acidic and polar, with lysine, which is basic and polar, at codon 253 of the NOTCH2 protein (p.Glu253Lys).

NM_024408.4(NOTCH2):c.757G>A (p.Glu253Lys)

Gene: NOTCH2 (notch receptor 2; minus strand). Cytogenetic location: 1p12.
Variant type: single nucleotide variant.
Coding change: c.757G>A on transcript NM_024408.4 (MANE Select); coding-DNA position 757, G replaced by A.
Protein change: p.Glu253Lys; replaces glutamic acid 253 with lysine.
Molecular consequence: missense variant.
Genome position (GRCh38, 1-based): chr1:119,987,077, C>T on the plus strand (G>A on the coding strand, the complement: NOTCH2 is on the minus strand). VCF-style: chr1-119987077-C-T. GRCh37 (hg19) VCF-style: chr1-120529700-C-T.
Other names: c.757G>A, p.Glu253Lys (NM_001200001.2); short protein forms E253K.
Identifiers: ClinVar variation 2754081 (VCV002754081.3), dbSNP rs2526380496, ClinGen allele CA341887837.